The following is an entry in ClinVar:

NM_005592.4(MUSK):c.909dup (p.Ala304fs)

Gene: MUSK (muscle associated receptor tyrosine kinase; plus strand). Cytogenetic location: 9q31.3.
Variant type: Duplication.
Coding change: c.909dup on transcript NM_005592.4 (MANE Select); coding-DNA position 909, one base duplicated (A; older notation c.909dupA).
Protein change: p.Ala304fs; shifts the reading frame from alanine 304.
Molecular consequence: frameshift variant. On other transcripts: 5 prime UTR variant (1).
Genome position (GRCh38, 1-based): chr9:110,747,796, A duplicated. VCF-style (leftmost placement, unchanged base first): chr9-110747795-T-TA. GRCh37 (hg19) VCF-style: chr9-113510075-T-TA.
Other names: NM_005592.4(MUSK):c.909dup; p.Ala304fs; c.939dup, p.Ala314fs (NM_001166280.2); c.909dup, p.Ala304fs (NM_001166281.2); c.-328dup (NM_001369398.1); short protein forms A304fs, A314fs.
Identifiers: ClinVar variation 1324751 (VCV001324751.5), dbSNP rs2131877883, ClinGen allele CA2573053081.

ClinVar aggregate classification (germline): Likely pathogenic. Review status: criteria provided, multiple submitters, no conflicts (2 of 4 stars). 2 submissions from 2 submitters: Likely pathogenic (2). Last evaluated 2023-05-02.

Conditions:
Fetal akinesia deformation sequence 1 (FADS1). Also called: Pena-Shokeir syndrome type I; Fetal akinesia sequence. Identifiers: Orphanet 994, MedGen C1276035, MONDO:0100101, OMIM 208150, HP:0001989.

Submissions (2):

Broad Center for Mendelian Genomics, Broad Institute of MIT and Harvard
Classification: Likely pathogenic for Fetal akinesia deformation sequence 1. Last evaluated: 2023-05-02. Review status: criteria provided, single submitter. Criteria: ACMG Guidelines, 2015. Collection method: curation. Allele origin: germline. Inheritance: Autosomal recessive inheritance.
Comment: Trio exome analysis revealed that this variant was in trans with a variant of uncertain significance (ClinVar Variation ID: 374195). The p.Ala304SerfsTer5 variant in MUSK has not been previously reported in the literature in individuals with fetal akinesia deformation sequence 1. This variant has also been reported in ClinVar (Variation ID: 1324751) and has been interpreted as likely pathogenic by PerkinElmer Genomics. This variant was absent from large population studies. This variant is predicted to cause a frameshift, which alters the protein‚Äôs amino acid sequence beginning at position 304 and leads to a premature termination codon 5 amino acids downstream. This alteration is then predicted to lead to a truncated or absent protein. Loss of function of the MUSK gene is an established disease mechanism in autosomal recessive fetal akinesia deformation sequence 1. In summary, although additional studies are required to fully establish its clinical significance, this variant is likely pathogenic for autosomal recessive fetal akinesia deformation sequence 1. ACMG/AMP Criteria applied: PVS1, PM2_Supporting (Richards 2015).

Revvity Omics, Revvity
Classification: Likely pathogenic. Last evaluated: 2021-10-04. Review status: criteria provided, single submitter. Criteria: ACMG Guidelines, 2015. Collection method: clinical testing. Allele origin: germline.